The following is an entry in ClinVar:

ClinVar aggregate classification (germline): Uncertain significance (1 of 4 stars; one submission).

Conditions:
Early Myoclonic Encephalopathy. Identifiers: MedGen C0270855.

Allele frequency attached by ClinVar (database versions not stated): gnomAD exomes 0.00004.
gnomAD v4.1: 31 of 1,613,914 alleles (0.0019%); highest among the groups gnomAD compares: Non-Finnish European, 0.0026%; no homozygotes.

Submission:

Labcorp Genetics (formerly Invitae), Labcorp
Classification: Uncertain significance for Early Myoclonic Encephalopathy. Last evaluated: 2021-02-24. Review status: criteria provided, single submitter. Criteria: Invitae Variant Classification Sherloc (09022015). Collection method: clinical testing. Allele origin: germline.
Comment: In summary, the available evidence is currently insufficient to determine the role of this variant in disease. Therefore, it has been classified as a Variant of Uncertain Significance. This sequence change replaces glutamic acid with glycine at codon 1165 of the JMJD1C protein (p.Glu1165Gly). The glutamic acid residue is moderately conserved and there is a moderate physicochemical difference between glutamic acid and glycine. This variant is not present in population databases (ExAC no frequency). This variant has not been reported in the literature in individuals with JMJD1C-related conditions. Algorithms developed to predict the effect of missense changes on protein structure and function are either unavailable or do not agree on the potential impact of this missense change (SIFT: "Deleterious"; PolyPhen-2: "Benign"; Align-GVGD: "Class C0").

NM_032776.3(JMJD1C):c.3494A>G (p.Glu1165Gly)

Gene: JMJD1C (jumonji domain containing 1C; minus strand). Cytogenetic location: 10q21.3.
Variant type: single nucleotide variant.
Coding change: c.3494A>G on transcript NM_032776.3 (MANE Select); coding-DNA position 3494, A replaced by G.
Protein change: p.Glu1165Gly; replaces glutamic acid 1165 with glycine.
Molecular consequence: missense variant. On other transcripts: non-coding transcript variant (1).
Genome position (GRCh38, 1-based): chr10:63,208,175, T>C on the plus strand (A>G on the coding strand, the complement: JMJD1C is on the minus strand). VCF-style: chr10-63208175-T-C. GRCh37 (hg19) VCF-style: chr10-64967935-T-C.
Other names: c.2948A>G, p.Glu983Gly (NM_001282948.2, NM_001318154.2); c.2630A>G, p.Glu877Gly (NM_001318153.2); c.3380A>G, p.Glu1127Gly (NM_001322252.2); c.2837A>G, p.Glu946Gly (NM_001322254.2, NM_001322258.2); short protein forms E1165G, E983G, E1127G, E877G, E946G.
Identifiers: ClinVar variation 656767 (VCV000656767.10), dbSNP rs1589149669, ClinGen allele CA377041553.